The following is an entry in ClinVar:

ClinVar aggregate classification (germline): Uncertain significance. Review status: criteria provided, multiple submitters, no conflicts (2 of 4 stars). 6 submissions from 6 submitters: Uncertain significance (6). Last evaluated 2026-01-14.

Conditions:
Collagen 6-related myopathy. Identifiers: MedGen CN117976, MONDO:0100225.
Bethlem myopathy 1A. Also called: Bethlem myopathy 1; MYOPATHY, BENIGN CONGENITAL, WITH CONTRACTURES; Bethlem Muscular Dystrophy. Identifiers: Orphanet 610, MedGen CN029274, MONDO:0024530, OMIM 158810.
Inborn genetic diseases. Identifiers: MedGen C0950123, MeSH D030342.

Allele frequency attached by ClinVar (database versions not stated): TOPMed 0.00001.

Submissions (6):

Women's Health and Genetics/Laboratory Corporation of America, LabCorp
Classification: Uncertain significance. Last evaluated: 2026-01-14. Review status: criteria provided, single submitter. Criteria: LabCorp Variant Classification Summary - May 2015. Collection method: clinical testing. Allele origin: germline.
Comment: Variant summary: COL6A2 c.1750C>T (p.Pro584Ser) results in a non-conservative amino acid change in the encoded protein sequence. Algorithms developed to predict the effect of missense changes on protein structure and function all suggest that this variant is likely to be disruptive. The variant allele was found at a frequency of 4e-06 in 250276 control chromosomes. The available data on variant occurrences in the general population are insufficient to allow any conclusion about variant significance. To our knowledge, no occurrence of c.1750C>T in individuals affected with COL6A2-related conditions and no experimental evidence demonstrating its impact on protein function have been reported. ClinVar contains an entry for this variant (Variation ID: 282615). Based on the evidence outlined above, the variant was classified as uncertain significance.

Labcorp Genetics (formerly Invitae), Labcorp
Classification: Uncertain significance for Bethlem myopathy 1A. Last evaluated: 2024-11-23. Review status: criteria provided, single submitter. Criteria: Invitae Variant Classification Sherloc (09022015). Collection method: clinical testing. Allele origin: germline.
Comment: This sequence change replaces proline, which is neutral and non-polar, with serine, which is neutral and polar, at codon 584 of the COL6A2 protein (p.Pro584Ser). This variant is present in population databases (no rsID available, gnomAD 0.004%). This variant has not been reported in the literature in individuals affected with COL6A2-related conditions. ClinVar contains an entry for this variant (Variation ID: 282615). Invitae Evidence Modeling of protein sequence and biophysical properties (such as structural, functional, and spatial information, amino acid conservation, physicochemical variation, residue mobility, and thermodynamic stability) indicates that this missense variant is not expected to disrupt COL6A2 protein function with a negative predictive value of 80%. In summary, the available evidence is currently insufficient to determine the role of this variant in disease. Therefore, it has been classified as a Variant of Uncertain Significance.

Ambry Genetics
Classification: Uncertain significance for Inborn genetic diseases. Last evaluated: 2021-10-27. Review status: criteria provided, single submitter. Criteria: Ambry Variant Classification Scheme 2023. Collection method: clinical testing. Allele origin: germline.

Revvity Omics, Revvity
Classification: Uncertain significance. Last evaluated: 2019-09-25. Review status: criteria provided, single submitter. Criteria: ACMG Guidelines, 2015. Collection method: clinical testing. Allele origin: germline.

Illumina Laboratory Services, Illumina
Classification: Uncertain significance for Collagen VI-related myopathy. Last evaluated: 2018-01-13. Review status: criteria provided, single submitter. Criteria: ICSL Variant Classification Criteria 13 December 2019. Collection method: clinical testing. Allele origin: germline.

Eurofins Ntd Llc (ga)
Classification: Uncertain significance. Last evaluated: 2015-08-11. Review status: criteria provided, single submitter. Criteria: EGL Classification Definitions 2015. Collection method: clinical testing. Allele origin: germline. Observed: 1 variant allele, 1 heterozygote.

NM_001849.4(COL6A2):c.1750C>T (p.Pro584Ser)

Gene: COL6A2 (collagen type VI alpha 2 chain; plus strand). Cytogenetic location: 21q22.3.
Variant type: single nucleotide variant.
Coding change: c.1750C>T on transcript NM_001849.4 (MANE Select); coding-DNA position 1750, C replaced by T.
Protein change: p.Pro584Ser; replaces proline 584 with serine.
Molecular consequence: missense variant.
Genome position (GRCh38, 1-based): chr21:46,124,900, C>T. VCF-style: chr21-46124900-C-T. GRCh37 (hg19) VCF-style: chr21-47544814-C-T.
Other names: c.1750C>T, p.Pro584Ser (NM_058174.3, NM_058175.3); short protein forms P584S.
Identifiers: ClinVar variation 282615 (VCV000282615.16), dbSNP rs779979272, ClinGen allele CA10604241.